The following is an entry in ClinVar:

ClinVar aggregate classification (germline): Benign/Likely benign. Review status: criteria provided, multiple submitters, no conflicts (2 of 4 stars). 3 submissions from 3 submitters: Benign (1); Likely benign (2). Last evaluated 2025-08-12.

Conditions:
Familial melanoma. Also called: Hereditary melanoma; Hereditary cutaneous melanoma. Identifiers: Orphanet 618, MedGen C1512419, MONDO:0018961.
Hereditary cancer-predisposing syndrome. Also called: Hereditary neoplastic syndrome; Neoplastic Syndromes, Hereditary; Tumor predisposition; Hereditary Cancer Syndrome. Identifiers: Orphanet 140162, MedGen C0027672, MeSH D009386, MONDO:0015356.
Melanoma-pancreatic cancer syndrome. Identifiers: Orphanet 404560, MedGen C1838547, MONDO:0011713, OMIM 606719. Disease mechanism: loss of function.

Submissions (3):

Myriad Genetics, Inc.
Classification: Benign for Melanoma-pancreatic cancer syndrome. Last evaluated: 2025-08-12. Review status: criteria provided, single submitter. Criteria: Myriad Autosomal Dominant, Autosomal Recessive and X-Linked Classification Criteria (2023). Collection method: clinical testing. Allele origin: unknown.
Comment: This variant is considered benign. This variant is a silent/synonymous amino acid change and it is not expected to impact splicing.

Ambry Genetics
Classification: Likely benign for Hereditary cancer-predisposing syndrome. Last evaluated: 2021-06-28. Review status: criteria provided, single submitter. Criteria: Ambry Variant Classification Scheme 2023. Collection method: clinical testing. Allele origin: germline.

Labcorp Genetics (formerly Invitae), Labcorp
Classification: Likely benign for Familial melanoma. Last evaluated: 2021-06-03. Review status: criteria provided, single submitter. Criteria: Invitae Variant Classification Sherloc (09022015). Collection method: clinical testing. Allele origin: germline.

NM_058195.4(CDKN2A):c.108G>A (p.Ala36=)

Gene: CDKN2A (cyclin dependent kinase inhibitor 2A; minus strand). Cytogenetic location: 9p21.3.
Variant type: single nucleotide variant.
Coding change: c.108G>A on transcript NM_058195.4 (MANE Plus Clinical); coding-DNA position 108, G replaced by A.
Protein change: p.Ala36=; no amino-acid change (alanine 36 retained).
Molecular consequence: synonymous variant. On other transcripts: intron variant (1).
Genome position (GRCh38, 1-based): chr9:21,994,224, C>T on the plus strand (G>A on the coding strand, the complement: CDKN2A is on the minus strand). VCF-style: chr9-21994224-C-T. GRCh37 (hg19) VCF-style: chr9-21994223-C-T.
Other names: c.-4+597G>A (NM_001363763.2).
Identifiers: ClinVar variation 1657153 (VCV001657153.7), dbSNP rs2131148456, ClinGen allele CA464100315.